The following is an entry in ClinVar:

ClinVar aggregate classification (germline): Likely pathogenic (1 of 4 stars; one submission).

Conditions:
Mendelian susceptibility to mycobacterial diseases due to complete IL12RB1 deficiency. Also called: Immunodeficiency 30; IL12RB1 DEFICIENCY. Identifiers: Orphanet 319552, MedGen C4013949, MONDO:0013955, OMIM 614891.

Allele frequency attached by ClinVar (database versions not stated): gnomAD exomes below 0.00001; ExAC 0.00002.
gnomAD v4.1: 6 of 1,612,106 alleles (0.00037%); highest among the groups gnomAD compares: African/African-American, 0.0013%; no homozygotes.

Submission:

Labcorp Genetics (formerly Invitae), Labcorp
Classification: Likely pathogenic for Mendelian susceptibility to mycobacterial diseases due to complete IL12RB1 deficiency. Last evaluated: 2024-03-04. Review status: criteria provided, single submitter. Criteria: Invitae Variant Classification Sherloc (09022015). Collection method: clinical testing. Allele origin: germline.
Comment: This sequence change replaces arginine, which is basic and polar, with tryptophan, which is neutral and slightly polar, at codon 175 of the IL12RB1 protein (p.Arg175Trp). The frequency data for this variant in the population databases is considered unreliable, as metrics indicate poor data quality at this position in the gnomAD database. This missense change has been observed in individual(s) with clinical features of Mendelian susceptibility to mycobacterial disease (PMID: 16531420, 21057261, 29025965, 31951326, 34060650; Invitae). In at least one individual the data is consistent with being in trans (on the opposite chromosome) from a pathogenic variant. It has also been observed to segregate with disease in related individuals. This variant is also known as 670C>T. ClinVar contains an entry for this variant (Variation ID: 2138259). Advanced modeling of protein sequence and biophysical properties (such as structural, functional, and spatial information, amino acid conservation, physicochemical variation, residue mobility, and thermodynamic stability) performed at Invitae indicates that this missense variant is expected to disrupt IL12RB1 protein function with a positive predictive value of 80%. In summary, the currently available evidence indicates that the variant is pathogenic, but additional data are needed to prove that conclusively. Therefore, this variant has been classified as Likely Pathogenic.

Literature cited by the submitters: PubMed 16531420; PubMed 21057261; PubMed 29025965; PubMed 31951326; PubMed 34060650.

NM_005535.3(IL12RB1):c.523C>T (p.Arg175Trp)

Gene: IL12RB1 (interleukin 12 receptor subunit beta 1; minus strand). Cytogenetic location: 19p13.11.
Variant type: single nucleotide variant.
Coding change: c.523C>T on transcript NM_005535.3 (MANE Select); coding-DNA position 523, C replaced by T.
Protein change: p.Arg175Trp; replaces arginine 175 with tryptophan.
Molecular consequence: missense variant.
Genome position (GRCh38, 1-based): chr19:18,077,542, G>A on the plus strand (C>T on the coding strand, the complement: IL12RB1 is on the minus strand). VCF-style: chr19-18077542-G-A. GRCh37 (hg19) VCF-style: chr19-18188352-G-A.
Other names: c.523C>T, p.Arg175Trp (NM_001290023.2, NM_153701.3); c.643C>T, p.Arg215Trp (NM_001290024.2); short protein forms R215W, R175W.
Identifiers: ClinVar variation 2138259 (VCV002138259.4), dbSNP rs750667928, ClinGen allele CA9305191.